The following is an entry in ClinVar:

NM_000146.4(FTL):c.218G>T (p.Arg73Leu)

Gene: FTL (ferritin light chain; plus strand). Cytogenetic location: 19q13.33.
Variant type: single nucleotide variant.
Coding change: c.218G>T on transcript NM_000146.4 (MANE Select); coding-DNA position 218, G replaced by T.
Protein change: p.Arg73Leu; replaces arginine 73 with leucine.
Molecular consequence: missense variant.
Genome position (GRCh38, 1-based): chr19:48,965,885, G>T. VCF-style: chr19-48965885-G-T. GRCh37 (hg19) VCF-style: chr19-49469142-G-T.
Other names: short protein forms R73L.
Identifiers: ClinVar variation 1492226 (VCV001492226.8), dbSNP rs2122432219, ClinGen allele CA406756518.

ClinVar aggregate classification (germline): Uncertain significance (1 of 4 stars; one submission).

Conditions:
Hereditary hyperferritinemia with congenital cataracts. Also called: Hereditary hyperferritinemia cataract syndrome; Bonneau-Beaumont syndrome; HYPERFERRITINEMIA WITH OR WITHOUT CATARACT. Identifiers: Orphanet 163, MedGen C1833213, MONDO:0010952, OMIM 600886.
Neuroferritinopathy (NBIA3). Also called: NEURODEGENERATION WITH BRAIN IRON ACCUMULATION 3; BASAL GANGLIA DISEASE, ADULT-ONSET. Identifiers: Orphanet 157846, MedGen C1853578, MONDO:0011638, OMIM 606159.

Submission:

Labcorp Genetics (formerly Invitae), Labcorp
Classification: Uncertain significance for Neuroferritinopathy; Hereditary hyperferritinemia with congenital cataracts. Last evaluated: 2022-07-12. Review status: criteria provided, single submitter. Criteria: Invitae Variant Classification Sherloc (09022015). Collection method: clinical testing. Allele origin: germline.
Comment: ClinVar contains an entry for this variant (Variation ID: 1492226). This variant has not been reported in the literature in individuals affected with FTL-related conditions. This variant is not present in population databases (gnomAD no frequency). This sequence change replaces arginine, which is basic and polar, with leucine, which is neutral and non-polar, at codon 73 of the FTL protein (p.Arg73Leu). Algorithms developed to predict the effect of missense changes on protein structure and function (SIFT, PolyPhen-2, Align-GVGD) all suggest that this variant is likely to be tolerated. In summary, the available evidence is currently insufficient to determine the role of this variant in disease. Therefore, it has been classified as a Variant of Uncertain Significance.